The following is an entry in ClinVar:

ClinVar aggregate classification (germline): Benign. Review status: criteria provided, multiple submitters, no conflicts (2 of 4 stars). 3 submissions from 3 submitters: Benign (3). Last evaluated 2018-07-17.

Conditions:
Paroxysmal nonkinesigenic dyskinesia 1 (PNKD1). Also called: Nonkinesigenic choreoathetosis; Familial paroxysmal choreoathetosis; DYSTONIA 8; Familial Paroxysmal Nonkinesigenic Dyskinesia; MOUNT-REBACK SYNDROME; PxMD-PNKD. Identifiers: Orphanet 98810, MedGen C4551506, MONDO:0700089, OMIM 118800, MONDO:0007326.

Allele frequency attached by ClinVar (database versions not stated): TOPMed 0.18655; 1000 Genomes Project 0.23003; 1000 Genomes Project 30x 0.23579.
gnomAD v4.1: 76,029 of 607,806 alleles (13%); highest among the groups gnomAD compares: African/African-American, 40%; 7,909 homozygotes.

Submissions (3):

GeneDx
Classification: Benign. Last evaluated: 2018-07-17. Review status: criteria provided, single submitter. Criteria: GeneDx Variant Classification Process June 2021. Collection method: clinical testing. Allele origin: germline. Affected: yes.

Illumina Laboratory Services, Illumina
Classification: Benign for Paroxysmal nonkinesigenic dyskinesia 1. Last evaluated: 2018-01-12. Review status: criteria provided, single submitter. Criteria: ICSL Variant Classification Criteria 13 December 2019. Collection method: clinical testing. Allele origin: germline.
Comment: This variant was observed in the ICSL laboratory as part of a predisposition screen in an ostensibly healthy population. It had not been previously curated by ICSL or reported in the Human Gene Mutation Database (HGMD: prior to June 1st, 2018), and was therefore a candidate for classification through an automated scoring system. Utilizing variant allele frequency, disease prevalence and penetrance estimates, and inheritance mode, an automated score was calculated to assess if this variant is too frequent to cause the disease. Based on the score and internal cut-off values, a variant classified as benign is not then subjected to further curation. The score for this variant resulted in a classification of benign for this disease.

Breakthrough Genomics
Classification: Benign. Review status: criteria provided, single submitter. Criteria: ACMG Guidelines, 2015. Collection method: not provided. Allele origin: germline. Inheritance: Autosomal dominant inheritance. Affected: yes.

NM_015488.5(PNKD):c.*181G>C

Genes: CATIP-AS2 (CATIP antisense RNA 2; minus strand), PNKD (PNKD metallo-beta-lactamase domain containing; plus strand). Cytogenetic location: 2q35.
Variant type: single nucleotide variant.
Coding change: c.*181G>C on transcript NM_015488.5 (MANE Select); 181 bases downstream of the stop codon, G replaced by C.
Molecular consequence: 3 prime UTR variant.
Genome position (GRCh38, 1-based): chr2:218,345,162, G>C. VCF-style: chr2-218345162-G-C. GRCh37 (hg19) VCF-style: chr2-219209885-G-C.
Other names: c.*181G>C (NM_022572.5).
Identifiers: ClinVar variation 334333 (VCV000334333.7), dbSNP rs73088173, ClinGen allele CA10612429.